The following is an entry in ClinVar:

NM_006766.5(KAT6A):c.4882G>A (p.Ala1628Thr)

Gene: KAT6A (lysine acetyltransferase 6A; minus strand). Cytogenetic location: 8p11.21.
Variant type: single nucleotide variant.
Coding change: c.4882G>A on transcript NM_006766.5 (MANE Select); coding-DNA position 4882, G replaced by A.
Protein change: p.Ala1628Thr; replaces alanine 1628 with threonine.
Molecular consequence: missense variant.
Genome position (GRCh38, 1-based): chr8:41,933,338, C>T on the plus strand (G>A on the coding strand, the complement: KAT6A is on the minus strand). VCF-style: chr8-41933338-C-T. GRCh37 (hg19) VCF-style: chr8-41790856-C-T.
Other names: c.4882G>A (NM_006766.3); short protein forms A1628T.
Identifiers: ClinVar variation 1719531 (VCV001719531.9), dbSNP rs1821665115, ClinGen allele CA371064395.

ClinVar aggregate classification (germline): Conflicting classifications of pathogenicity. Review status: criteria provided, conflicting classifications (1 of 4 stars). 3 submissions from 3 submitters: Likely pathogenic (1); Uncertain significance (2). Last evaluated 2023-09-13.

Conditions:
Inborn genetic diseases. Identifiers: MedGen C0950123, MeSH D030342.

Allele frequency attached by ClinVar (database versions not stated): TOPMed below 0.00001.

Submissions (3):

GeneDx
Classification: Likely pathogenic. Last evaluated: 2023-09-13. Review status: criteria provided, single submitter. Criteria: GeneDx Variant Classification Process June 2021. Collection method: clinical testing. Allele origin: germline.
Comment: Not observed at significant frequency in large population cohorts (gnomAD); In silico analysis supports that this missense variant does not alter protein structure/function; Has not been previously published as pathogenic or benign to our knowledge

Ambry Genetics
Classification: Uncertain significance for Inborn genetic diseases. Last evaluated: 2023-01-23. Review status: criteria provided, single submitter. Criteria: Ambry Variant Classification Scheme 2023. Collection method: clinical testing. Allele origin: germline.

Labcorp Genetics (formerly Invitae), Labcorp
Classification: Uncertain significance. Last evaluated: 2022-09-15. Review status: criteria provided, single submitter. Criteria: Invitae Variant Classification Sherloc (09022015). Collection method: clinical testing. Allele origin: germline.
Comment: In summary, the available evidence is currently insufficient to determine the role of this variant in disease. Therefore, it has been classified as a Variant of Uncertain Significance. Algorithms developed to predict the effect of missense changes on protein structure and function output the following: SIFT: "Tolerated"; PolyPhen-2: "Not Available"; Align-GVGD: "Class C0". The threonine amino acid residue is found in multiple mammalian species, which suggests that this missense change does not adversely affect protein function. This variant has not been reported in the literature in individuals affected with KAT6A-related conditions. This variant is not present in population databases (gnomAD no frequency). This sequence change replaces alanine, which is neutral and non-polar, with threonine, which is neutral and polar, at codon 1628 of the KAT6A protein (p.Ala1628Thr).